The following is an entry in ClinVar:

ClinVar aggregate classification (germline): Uncertain significance (1 of 4 stars; one submission).

Conditions:
Multiple congenital exostosis (EXT). Also called: MULTIPLE CARTILAGINOUS EXOSTOSES; Multiple exostoses; Hereditary multiple exostoses; Hereditary multiple exostosis; Multiple osteochondromas; Hereditary multiple osteochondromas. Identifiers: Orphanet 321, MedGen C0015306, MONDO:0005508, HP:0002762.

Submission:

Labcorp Genetics (formerly Invitae), Labcorp
Classification: Uncertain significance for Multiple congenital exostosis. Last evaluated: 2019-05-08. Review status: criteria provided, single submitter. Criteria: Invitae Variant Classification Sherloc (09022015). Collection method: clinical testing. Allele origin: germline.
Comment: This variant has not been reported in the literature in individuals with EXT1-related conditions. In summary, the available evidence is currently insufficient to determine the role of this variant in disease. Therefore, it has been classified as a Variant of Uncertain Significance. Algorithms developed to predict the effect of missense changes on protein structure and function are either unavailable or do not agree on the potential impact of this missense change (SIFT: "Deleterious"; PolyPhen-2: "Probably Damaging"; Align-GVGD: "Class C0"). This variant is not present in population databases (ExAC no frequency). This sequence change replaces isoleucine with asparagine at codon 192 of the EXT1 protein (p.Ile192Asn). The isoleucine residue is highly conserved and there is a large physicochemical difference between isoleucine and asparagine.

NM_000127.3(EXT1):c.575T>A (p.Ile192Asn)

Gene: EXT1 (exostosin glycosyltransferase 1; minus strand). Cytogenetic location: 8q24.11.
Variant type: single nucleotide variant.
Coding change: c.575T>A on transcript NM_000127.3 (MANE Select); coding-DNA position 575, T replaced by A.
Protein change: p.Ile192Asn; replaces isoleucine 192 with asparagine.
Molecular consequence: missense variant.
Genome position (GRCh38, 1-based): chr8:118,110,472, A>T on the plus strand (T>A on the coding strand, the complement: EXT1 is on the minus strand). VCF-style: chr8-118110472-A-T. GRCh37 (hg19) VCF-style: chr8-119122711-A-T.
Other names: short protein forms I192N.
Identifiers: ClinVar variation 950899 (VCV000950899.9), dbSNP rs1817877044, ClinGen allele CA371915536.